The following continues an entry in ClinVar:

NM_000257.4(MYH7):c.5326A>G (p.Ser1776Gly)

Gene: MYH7. ClinVar aggregate classification (germline): Uncertain significance. Uncertain significance (1).

Submissions 9 to 17 of 22:

Color Diagnostics, LLC DBA Color Health
Classification: Uncertain significance for Cardiomyopathy. Last evaluated: 2025-03-17. Review status: criteria provided, single submitter. Criteria: ACMG Guidelines, 2015. Collection method: clinical testing. Allele origin: germline. Not counted in ClinVar's aggregate classification.
Comment: This missense variant replaces serine with glycine at codon 1776 of the MYH7 protein. Computational prediction suggests that this variant may have a deleterious impact on protein structure and function. A functional study has shown that this variant does not affect cMyBP-C attachment to the thick filament (PMID: 16918501). This variant has been reported in two related individuals affected with hypertrophic cardiomyopathy (PMID: 11861413) and in four unrelated individuals with hypertrophic cardiomyopathy (PMID: 27247418, 27532257, 29121657, 31493341, 33495597). This variant has been identified in 13/282892 chromosomes in the general population by the Genome Aggregation Database (gnomAD). The available evidence is insufficient to determine the role of this variant in disease conclusively. Therefore, this variant is classified as a Variant of Uncertain Significance.

Blueprint Genetics
Classification: Uncertain significance. Last evaluated: 2024-11-26. Review status: criteria provided, single submitter. Criteria: ACMG Guidelines, 2015. Collection method: clinical testing. Allele origin: germline. Not counted in ClinVar's aggregate classification.

Fulgent Genetics
Classification: Uncertain significance for MYH7-related skeletal myopathy; Hypertrophic cardiomyopathy 1; Myopathy, myosin storage, autosomal recessive; Myosin storage myopathy; Dilated cardiomyopathy 1S. Last evaluated: 2024-02-21. Review status: criteria provided, single submitter. Criteria: ACMG Guidelines, 2015. Collection method: clinical testing. Allele origin: germline. Not counted in ClinVar's aggregate classification.

All of Us Research Program, National Institutes of Health
Classification: Uncertain significance for Cardiomyopathy. Last evaluated: 2024-01-08. Review status: criteria provided, single submitter. Criteria: ACMG Guidelines, 2015. Collection method: clinical testing. Allele origin: germline. Inheritance: Autosomal dominant inheritance. Observed: 18 variant alleles, 18 heterozygotes. Not counted in ClinVar's aggregate classification.
Comment: This missense variant replaces serine with glycine at codon 1776 of the MYH7 protein. Computational prediction suggests that this variant may have deleterious impact on protein structure and function (internally defined REVEL score threshold >= 0.7, PMID: 27666373). A functional study has shown that this variant does not affect cMyBP-C attachment to the thick filament (PMID: 16918501). This variant has been reported in two related individuals affected with hypertrophic cardiomyopathy (PMID: 11861413) and in four unrelated individuals with hypertrophic cardiomyopathy (PMID: 27247418, 27532257, 29121657, 31493341, 33495597). This variant has been identified in 13/282892 chromosomes in the general population by the Genome Aggregation Database (gnomAD). The available evidence is insufficient to determine the role of this variant in disease conclusively. Therefore, this variant is classified as a Variant of Uncertain Significance.

This study involves interpretation of variants in research participants for the purpose of population health screening. Participant phenotype was not available at the time of variant classification. Additional details can be found in publication PMID: 35346344, PMCID: PMC8962531

Women's Health and Genetics/Laboratory Corporation of America, LabCorp
Classification: Uncertain significance. Last evaluated: 2023-05-01. Review status: criteria provided, single submitter. Criteria: LabCorp Variant Classification Summary - May 2015. Collection method: clinical testing. Allele origin: germline. Not counted in ClinVar's aggregate classification.
Comment: Variant summary: MYH7 c.5326A>G (p.Ser1776Gly) results in a non-conservative amino acid change located in the Myosin tail domain of the encoded protein sequence. Five of five in-silico tools predict a damaging effect of the variant on protein function. The variant allele was found at a frequency of 3.2e-05 in 251494 control chromosomes. The available data on variant occurrences in the general population are insufficient to allow any conclusion about variant significance. c.5326A>G has been reported in the literature in individuals affected with HCM (Blair_2002, Fokstuen_2011, Homburger_2017, Walsh_2017, Viswanathan_2017, Kelly_2018, Daoud_2019, vanLint_2019, AlShafai_2021) including reports of co-occurrences of this variant with other pathogenic variants. One study showed limited evidence indicating this variant may segregate with disease (Blair_2002). However, these reports do not provide unequivocal conclusions about association of the variant with HCM. One in vitro study showed that this variant does not affect cMyBP-C attachment to the thick filament, showing no damaing effect of this variant in this context (Flashman_2007). The following publications have been ascertained in the context of this evaluation (PMID: 34137518, 11861413, 30731207, 16918501, 21239446, 27247418, 34136434, 29300372, 31199839, 29121657, 27532257, 30847666). Fourteen clinical diagnostic laboratories have submitted clinical-significance assessments for this variant to ClinVar after 2014 without evidence for independent evaluation, with all laboratories classifying the variant as uncertain significance. Based on the evidence outlined above, the variant was classified as uncertain significance.

CHEO Genetics Diagnostic Laboratory, Children's Hospital of Eastern Ontario
Classification: Uncertain significance for Cardiomyopathy. Last evaluated: 2023-02-10. Review status: criteria provided, single submitter. Criteria: ACMG Guidelines, 2015. Collection method: clinical testing. Allele origin: germline. Not counted in ClinVar's aggregate classification.

New York Genome Center
Classification: Uncertain significance for Hypertrophic cardiomyopathy 1. Last evaluated: 2021-07-16. Review status: criteria provided, single submitter. Criteria: NYGC Assertion Criteria 2020. Collection method: clinical testing. Allele origin: inherited. Observed: 1 heterozygote. Study: CSER-NYCKidSeq. Not counted in ClinVar's aggregate classification.
Comment: The inherited c.5326A>G (p.Ser1776Gly) variant identified in the MYH7 gene substitutes a very well conserved Serine for Glycine at amino acid 1776/1936 (exon 37/40). This variant is found with low frequency in gnomAD(v3.1.1)(8 heterozygotes, 0 homozygotes; allele frequency: 5.256e-5) suggesting that it is not a common benign variant in the populations represented in that database. In silico algorithms predict this variant to be Damaging (SIFT; score:0.001) and Pathogenic (REVEL; score:0.776) to the function of the canonical transcript. This variant has been reviewed by ClinGen's Cardiomyopathy Variant Curation Expert Panel classified as a Variant of Uncertain Significance in ClinVar (VarID:177629). The c.5326A>G (p.Ser1776Gly) variant has been reported in multiple individuals with hypertrophic cardiomyopathy [PMID:11861413, 21239446, 31199839, others], and segregated with disease in one set of siblings [PMID:11861413]. However, this variant has also been detected in control populations [PMID:24510615], and functional studies suggest it does not alter the ability to bind myosin-binding protein C[PMID:16918501], although additional studies are needed to confirm this finding. Given conflicting evidence regarding its pathogenicity, the inheritedc.5326A>G (p.Ser1776Gly) variant identified in the MYH7 gene is reported as a Variant of Uncertain Significance.

Clinical Genomics Laboratory, Stanford Medicine
Classification: Uncertain significance for Hypertrophic cardiomyopathy 1. Last evaluated: 2021-06-22. Review status: criteria provided, single submitter. Criteria: ACMG Guidelines, 2015. Collection method: clinical testing. Allele origin: germline. Affected: yes. Observed: 1 heterozygote. Not counted in ClinVar's aggregate classification.
Comment: The p.Ser1776Gly variant in the MYH7 gene has been previously reported in several unrelated individuals with hypertrophic cardiomyopathy (Fokstuen et al., 2011; Viswanathan et al., 2017; Walsh et al., 2017; van Lint et al., 2019) and segregated with disease in two affected individuals from one family (Blair et al., 2002). However, in many cases another potentially causative variant was identified. Additionally, this variant has been reported at a high frequency in affected individuals of Asian/Pacific Islander ancestry, a population that is insufficiently represented in population databases. This variant has been identified in 6/19,954 East Asian chromosomes (13/282,892 chromosomes overall) by the Genome Aggregation Database. Although this variant has been seen in the general population, it has not been observed at a high enough frequency to rule out pathogenicity. •One in vitrostudy suggested that this variant does not disrupt binding to myosin binding C protein (Flashman et al., 2007). The serine at position 1776 is highly conserved. Computational tools predict that the p.Ser1776Gly variant is deleterious; however, the accuracy of in silicoalgorithms is limited. These data were assessed using the ACMG/AMP variant interpretation guidelines. In summary, the significance ofthe p.Ser1776Glyvariant is uncertain. Additional information is needed to resolve the significance of this variant. [ACMG evidence codes used: PP3]

Clinical Genomics Laboratory, Stanford Medicine
Classification: Uncertain significance for Dilated cardiomyopathy 1S. Last evaluated: 2021-06-11. Review status: criteria provided, single submitter. Criteria: ACMG Guidelines, 2015. Collection method: clinical testing. Allele origin: germline. Affected: yes. Observed: 1 heterozygote. Not counted in ClinVar's aggregate classification.
Comment: The p.Ser1776Gly variant in the MYH7 gene has been previously reported in several unrelated individuals with hypertrophic cardiomyopathy (Fokstuen et al., 2011; Viswanathan et al., 2017; Walsh et al., 2017; van Lint et al., 2019) and segregated with disease in two affected individuals from one family (Blair et al., 2002). However, in many cases another potentially causative variant was identified. Additionally, this variant has been reported at a high frequency in affected individuals of Asian/Pacific Islander ancestry, a population that is insufficiently represented in population databases. This variant has been identified in 6/19,954 East Asian chromosomes (13/282,892 chromosomes overall) by the Genome Aggregation Database. Although this variant has been seen in the general population, it has not been observed at a high enough frequency to rule out pathogenicity. One in vitro study suggested that this variant does not disrupt binding to myosin binding C protein (Flashman et al., 2007) The serine at position 1776 is highly conserved. Computational tools predict that the p.Ser1776Gly variant is deleterious; however, the accuracy of in silico algorithms is limited. These data were assessed using the ACMG/AMP variant interpretation guidelines. In summary, the significance of the p.Ser1776Gly variant is uncertain. Additional information is needed to resolve the significance of this variant. [ACMG evidence codes used: PP3]